The following is an entry in ClinVar:

NM_058163.3(TSR2):c.-9G>C

Gene: TSR2 (TSR2 ribosome maturation factor; plus strand). Cytogenetic location: Xp11.22.
Variant type: single nucleotide variant.
Coding change: c.-9G>C on transcript NM_058163.3 (MANE Select); 9 bases upstream of the start codon, G replaced by C.
Molecular consequence: 5 prime UTR variant.
Genome position (GRCh38, 1-based): chrX:54,440,413, G>C. VCF-style: chrX-54440413-G-C. GRCh37 (hg19) VCF-style: chrX-54466846-G-C.
Other names: c.-9G>C (NM_001346789.2); c.-396G>C (NM_001346790.2); c.-405G>C (NM_001346791.2); c.-203G>C (NM_001346792.2).
Identifiers: ClinVar variation 4980182 (VCV004980182.1).
Genomic context (GRCh38, chrX:54,440,413, plus strand): 5'-CTCGTTCTGCCTGGGCCGAGCTACAGAGGGATTGGGCCGCCGGGACGTCACGTGGACTGG[G>C]GCCGGATAATGGCGGGCGCTGCAGAAGATGCGCGAGCTCTTTTCCGGGCTGGGGTCTGCG-3'

ClinVar aggregate classification (germline): Likely benign (1 of 4 stars; one submission).

Conditions:
TSR2-related disorder. Also called: TSR2-related condition.

gnomAD v4.1: 1 of 1,134,250 alleles (0.000088%); highest among the groups gnomAD compares: Non-Finnish European, 0.00012%; no homozygotes.

Submission:

PreventionGenetics, part of Exact Sciences
Classification: Likely benign for TSR2-related condition. Last evaluated: 2026-05-12. Review status: criteria provided, single submitter. Criteria: ACMG Guidelines, 2015. Collection method: clinical testing. Allele origin: germline.
Comment: This variant is classified as likely benign based on ACMG/AMP sequence variant interpretation guidelines (Richards et al. 2015 PMID: 25741868, with internal and published modifications).